The following is an entry in ClinVar:

NM_000271.5(NPC1):c.1208T>C (p.Phe403Ser)

Gene: NPC1 (NPC intracellular cholesterol transporter 1; minus strand). Cytogenetic location: 18q11.2.
Variant type: single nucleotide variant.
Coding change: c.1208T>C on transcript NM_000271.5 (MANE Select); coding-DNA position 1208, T replaced by C.
Protein change: p.Phe403Ser; replaces phenylalanine 403 with serine.
Molecular consequence: missense variant.
Genome position (GRCh38, 1-based): chr18:23,556,361, A>G on the plus strand (T>C on the coding strand, the complement: NPC1 is on the minus strand). VCF-style: chr18-23556361-A-G. GRCh37 (hg19) VCF-style: chr18-21136325-A-G.
Other names: c.1208T>C (NM_000271.4); short protein forms F403S.
Identifiers: ClinVar variation 2177631 (VCV002177631.3), dbSNP rs371234970, ClinGen allele CA8913519.

ClinVar aggregate classification (germline): Uncertain significance. Review status: criteria provided, multiple submitters, no conflicts (2 of 4 stars). 2 submissions from 2 submitters: Uncertain significance (2). Last evaluated 2026-05-21.

Conditions:
Inborn genetic diseases. Identifiers: MedGen C0950123, MeSH D030342.
Niemann-Pick disease, type C1. Also called: NIEMANN-PICK DISEASE, VARIANT TYPE C1; NEUROVISCERAL STORAGE DISEASE WITH VERTICAL SUPRANUCLEAR OPHTHALMOPLEGIA; NIEMANN-PICK DISEASE WITH CHOLESTEROL ESTERIFICATION BLOCK; NIEMANN-PICK DISEASE WITHOUT SPHINGOMYELINASE DEFICIENCY; NIEMANN-PICK DISEASE, CHRONIC NEURONOPATHIC FORM. Identifiers: Orphanet 646, MedGen C3179455, MONDO:0009757, OMIM 257220.

Allele frequency attached by ClinVar (database versions not stated): TOPMed 0.00005; gnomAD 0.00007; gnomAD exomes 0.00001; ExAC 0.00002; ESP Exome Variant Server 0.00008.
gnomAD v4.1: 13 of 1,614,110 alleles (0.00081%); highest among the groups gnomAD compares: African/African-American, 0.017%; no homozygotes.

Submissions (2):

Ambry Genetics
Classification: Uncertain significance for Inborn genetic diseases. Last evaluated: 2026-05-21. Review status: criteria provided, single submitter. Criteria: Ambry Variant Classification Scheme 2023. Collection method: clinical testing. Allele origin: germline.
Comment: The c.1208T>C (p.F403S) alteration is located in exon 8 (coding exon 8) of the NPC1 gene. This alteration results from a T to C substitution at nucleotide position 1208, causing the phenylalanine (F) at amino acid position 403 to be replaced by a serine (S). Based on data from gnomAD, the C allele has an overall frequency of 0.002% (6/282670) total alleles studied. The highest observed frequency was 0.024% (6/24962) of African alleles. This amino acid position is highly conserved in available vertebrate species. This alteration is predicted to be deleterious by in silico analysis. Based on insufficient or conflicting evidence, the clinical significance of this alteration remains unclear.

Labcorp Genetics (formerly Invitae), Labcorp
Classification: Uncertain significance for Niemann-Pick disease, type C1. Last evaluated: 2024-12-16. Review status: criteria provided, single submitter. Criteria: Invitae Variant Classification Sherloc (09022015). Collection method: clinical testing. Allele origin: germline.
Comment: This sequence change replaces phenylalanine, which is neutral and non-polar, with serine, which is neutral and polar, at codon 403 of the NPC1 protein (p.Phe403Ser). This variant is present in population databases (rs371234970, gnomAD 0.02%). This variant has not been reported in the literature in individuals affected with NPC1-related conditions. ClinVar contains an entry for this variant (Variation ID: 2177631). Invitae Evidence Modeling of protein sequence and biophysical properties (such as structural, functional, and spatial information, amino acid conservation, physicochemical variation, residue mobility, and thermodynamic stability) indicates that this missense variant is expected to disrupt NPC1 protein function with a positive predictive value of 95%. In summary, the available evidence is currently insufficient to determine the role of this variant in disease. Therefore, it has been classified as a Variant of Uncertain Significance.